The following is an entry in ClinVar:

NM_020884.7(MYH7B):c.5111G>A (p.Arg1704His)

Gene: MYH7B (myosin heavy chain 7B; plus strand). Cytogenetic location: 20q11.22.
Variant type: single nucleotide variant.
Coding change: c.5111G>A on transcript NM_020884.7 (MANE Select); coding-DNA position 5111, G replaced by A.
Protein change: p.Arg1704His; replaces arginine 1704 with histidine.
Molecular consequence: missense variant.
Genome position (GRCh38, 1-based): chr20:35,000,622, G>A. VCF-style: chr20-35000622-G-A. GRCh37 (hg19) VCF-style: chr20-33588425-G-A.
Other names: c.5237G>A (NM_020884.4); short protein forms R1704H.
Identifiers: ClinVar variation 2739690 (VCV002739690.4), dbSNP rs373972122, ClinGen allele CA9828424.
Genomic context (GRCh38, chr20:35,000,622, plus strand): 5'-GGGCCTCGCTGCTGGCTGCGGAGCTGGAGGAGCTGCGGGCTGCCCTGGAGCAGGGCGAGC[G>A]CAGCCGGCGACTGGCAGAGCAGGAGCTTTTGGAGGCCACCGAGCGCCTCAACCTTCTGCA-3'
Protein context (NP_065935.4, residues 1694-1714): ELRAALEQGE[Arg1704His]SRRLAEQELL

ClinVar aggregate classification (germline): Uncertain significance. Review status: criteria provided, multiple submitters, no conflicts (2 of 4 stars). 2 submissions from 2 submitters: Uncertain significance (2). Last evaluated 2025-05-23.

Conditions:
MYH7B-related disorder. Also called: MYH7B-related condition.

Allele frequency attached by ClinVar (database versions not stated): gnomAD exomes 0.00003; gnomAD 0.00007; ESP Exome Variant Server 0.00008; TOPMed 0.00011; ExAC 0.00012.
gnomAD v4.1: 51 of 1,575,252 alleles (0.0032%); highest among the groups gnomAD compares: African/African-American, 0.021%; no homozygotes.

Submissions (2):

PreventionGenetics, part of Exact Sciences
Classification: Uncertain significance for MYH7B-related condition. Last evaluated: 2025-05-23. Review status: criteria provided, single submitter. Criteria: ACMG Guidelines, 2015. Collection method: clinical testing. Allele origin: germline.
Comment: The MYH7B c.5237G>A variant is predicted to result in the amino acid substitution p.Arg1746His. To our knowledge, this variant has not been reported in the literature. This variant is reported in 0.027% of alleles in individuals of African descent in gnomAD. At this time, the clinical significance of this variant is uncertain due to the absence of conclusive functional and genetic evidence.

Labcorp Genetics (formerly Invitae), Labcorp
Classification: Uncertain significance. Last evaluated: 2023-09-05. Review status: criteria provided, single submitter. Criteria: Invitae Variant Classification Sherloc (09022015). Collection method: clinical testing. Allele origin: germline.
Comment: This sequence change replaces arginine, which is basic and polar, with histidine, which is basic and polar, at codon 1746 of the MYH7B protein (p.Arg1746His). In summary, the available evidence is currently insufficient to determine the role of this variant in disease. Therefore, it has been classified as a Variant of Uncertain Significance. Advanced modeling of protein sequence and biophysical properties (such as structural, functional, and spatial information, amino acid conservation, physicochemical variation, residue mobility, and thermodynamic stability) performed at Invitae indicates that this missense variant is not expected to disrupt MYH7B protein function. This variant has not been reported in the literature in individuals affected with MYH7B-related conditions. The frequency data for this variant in the population databases is considered unreliable, as metrics indicate poor data quality at this position in the gnomAD database.